The following is an entry in ClinVar:

NM_182914.3(SYNE2):c.18797T>G (p.Leu6266Arg)

Gene: SYNE2 (spectrin repeat containing nuclear envelope protein 2; plus strand). Cytogenetic location: 14q23.2.
Variant type: single nucleotide variant.
Coding change: c.18797T>G on transcript NM_182914.3 (MANE Select); coding-DNA position 18797, T replaced by G.
Protein change: p.Leu6266Arg; replaces leucine 6266 with arginine.
Molecular consequence: missense variant.
Genome position (GRCh38, 1-based): chr14:64,212,034, T>G. VCF-style: chr14-64212034-T-G. GRCh37 (hg19) VCF-style: chr14-64678752-T-G.
Other names: c.18797T>G, p.Leu6266Arg (NM_015180.6); short protein forms L6266R.
Identifiers: ClinVar variation 2096071 (VCV002096071.4), dbSNP rs2550136809, ClinGen allele CA389953489.
Genomic context (GRCh38, chr14:64,212,034, plus strand): 5'-AGAGGGAAGAATTTGAGGGCACCAGGGAGAGCATTCTGGTGTGGCTCACAGAGATGGACC[T>G]GCAGCTGACCAACGTGGAGCACTTCTCAGAGAGTGACGCCGATGACAAGATGCGCCAACT-3'
Protein context (NP_878918.2, residues 6256-6276): SILVWLTEMD[Leu6266Arg]QLTNVEHFSE

ClinVar aggregate classification (germline): Uncertain significance (1 of 4 stars; one submission).

Conditions:
Emery-Dreifuss muscular dystrophy 5, autosomal dominant (EDMD5). Also called: EMERY-DREIFUSS MUSCULAR DYSTROPHY 5. Identifiers: Orphanet 261, MedGen C2751805, MONDO:0013072, OMIM 612999.

Submission:

Labcorp Genetics (formerly Invitae), Labcorp
Classification: Uncertain significance for Emery-Dreifuss muscular dystrophy 5, autosomal dominant. Last evaluated: 2023-12-22. Review status: criteria provided, single submitter. Criteria: Invitae Variant Classification Sherloc (09022015). Collection method: clinical testing. Allele origin: germline.
Comment: This sequence change replaces leucine, which is neutral and non-polar, with arginine, which is basic and polar, at codon 6266 of the SYNE2 protein (p.Leu6266Arg). This variant is not present in population databases (gnomAD no frequency). This variant has not been reported in the literature in individuals affected with SYNE2-related conditions. ClinVar contains an entry for this variant (Variation ID: 2096071). An algorithm developed to predict the effect of missense changes on protein structure and function (PolyPhen-2) suggests that this variant is likely to be disruptive. In summary, the available evidence is currently insufficient to determine the role of this variant in disease. Therefore, it has been classified as a Variant of Uncertain Significance.